The following is an entry in ClinVar:

NM_000077.5(CDKN2A):c.133G>T (p.Gly45Cys)

Gene: CDKN2A (cyclin dependent kinase inhibitor 2A; minus strand). Cytogenetic location: 9p21.3.
Variant type: single nucleotide variant.
Coding change: c.133G>T on transcript NM_000077.5; coding-DNA position 133, G replaced by T.
Protein change: p.Gly45Cys; replaces glycine 45 with cysteine.
Molecular consequence: missense variant (on NM_000077.6). On other transcripts: intron variant (2).
Genome position (GRCh38, 1-based): chr9:21,974,695, C>A on the plus strand (G>T on the coding strand, the complement: CDKN2A is on the minus strand). VCF-style: chr9-21974695-C-A. GRCh37 (hg19) VCF-style: chr9-21974694-C-A.
Other names: c.133G>T, p.Gly45Cys (NM_000077.6, NM_001195132.2, NM_058197.5); c.-3-3487G>T (NM_001363763.2); c.194-3487G>T (NM_058195.4); short protein forms G45C.
Identifiers: ClinVar variation 1052395 (VCV001052395.12), dbSNP rs1328708469, ClinGen allele CA373086505.

ClinVar aggregate classification (germline): Uncertain significance. Review status: criteria provided, multiple submitters, no conflicts (2 of 4 stars). 2 submissions from 2 submitters: Uncertain significance (2). Last evaluated 2024-07-02.

Conditions:
Hereditary cancer-predisposing syndrome. Also called: Hereditary Cancer Syndrome; Tumor predisposition; Hereditary neoplastic syndrome; Neoplastic Syndromes, Hereditary. Identifiers: Orphanet 140162, MedGen C0027672, MeSH D009386, MONDO:0015356.
Familial melanoma. Also called: Hereditary melanoma; Hereditary cutaneous melanoma. Identifiers: Orphanet 618, MedGen C1512419, MONDO:0018961.

Submissions (2):

Ambry Genetics
Classification: Uncertain significance for Hereditary cancer-predisposing syndrome. Last evaluated: 2024-07-02. Review status: criteria provided, single submitter. Criteria: Ambry Variant Classification Scheme 2023. Collection method: clinical testing. Allele origin: germline.
Comment: The p.G45C variant (also known as c.133G>T), located in coding exon 1 of the CDKN2A gene, results from a G to T substitution at nucleotide position 133. The glycine at codon 45 is replaced by cysteine, an amino acid with highly dissimilar properties. This amino acid position is highly conserved in available vertebrate species. In addition, this alteration is predicted to be deleterious by in silico analysis. Based on the available evidence, the clinical significance of this variant remains unclear.

Labcorp Genetics (formerly Invitae), Labcorp
Classification: Uncertain significance for Familial melanoma. Last evaluated: 2022-08-10. Review status: criteria provided, single submitter. Criteria: Invitae Variant Classification Sherloc (09022015). Collection method: clinical testing. Allele origin: germline.
Comment: In summary, the available evidence is currently insufficient to determine the role of this variant in disease. Therefore, it has been classified as a Variant of Uncertain Significance. Algorithms developed to predict the effect of missense changes on protein structure and function are either unavailable or do not agree on the potential impact of this missense change (SIFT: "Deleterious"; PolyPhen-2: "Probably Damaging"; Align-GVGD: "Class C0"). ClinVar contains an entry for this variant (Variation ID: 1052395). This variant has not been reported in the literature in individuals affected with CDKN2A (p16INK4a)-related conditions. This variant is not present in population databases (gnomAD no frequency). This sequence change replaces glycine, which is neutral and non-polar, with cysteine, which is neutral and slightly polar, at codon 45 of the CDKN2A (p16INK4a) protein (p.Gly45Cys).